The following is an entry in ClinVar:

NM_173076.3(ABCA12):c.4064A>G (p.Tyr1355Cys)

Gene: ABCA12 (ATP binding cassette subfamily A member 12; minus strand). Cytogenetic location: 2q35.
Variant type: single nucleotide variant.
Coding change: c.4064A>G on transcript NM_173076.3 (MANE Select); coding-DNA position 4064, A replaced by G.
Protein change: p.Tyr1355Cys; replaces tyrosine 1355 with cysteine.
Molecular consequence: missense variant. On other transcripts: non-coding transcript variant (1).
Genome position (GRCh38, 1-based): chr2:214,986,641, T>C on the plus strand (A>G on the coding strand, the complement: ABCA12 is on the minus strand). VCF-style: chr2-214986641-T-C. GRCh37 (hg19) VCF-style: chr2-215851365-T-C.
Other names: c.3110A>G, p.Tyr1037Cys (NM_015657.4); short protein forms Y1355C, Y1037C.
Identifiers: ClinVar variation 2760238 (VCV002760238.5), dbSNP rs750455106, ClinGen allele CA2091550.

ClinVar aggregate classification (germline): Likely benign. Review status: criteria provided, multiple submitters, no conflicts (2 of 4 stars). 3 submissions from 3 submitters: Likely benign (3). Last evaluated 2026-01-20.

Allele frequency attached by ClinVar (database versions not stated): gnomAD exomes 0.00007; ExAC 0.00012.

Submissions (3):

Labcorp Genetics (formerly Invitae), Labcorp
Classification: Likely benign. Last evaluated: 2026-01-20. Review status: criteria provided, single submitter. Criteria: Invitae Variant Classification Sherloc (09022015). Collection method: clinical testing. Allele origin: germline.

Women's Health and Genetics/Laboratory Corporation of America, LabCorp
Classification: Likely benign. Last evaluated: 2025-11-10. Review status: criteria provided, single submitter. Criteria: LabCorp Variant Classification Summary - May 2015. Collection method: clinical testing. Allele origin: germline.
Comment: Variant summary: ABCA12 c.4064A>G (p.Tyr1355Cys) results in a non-conservative amino acid change in the encoded protein sequence. Algorithms developed to predict the effect of missense changes on protein structure and function all suggest that this variant is likely to be disruptive. The variant allele was found at a frequency of 0.00013 in 251364 control chromosomes, predominantly at a frequency of 0.00095 within the South Asian subpopulation in the gnomAD database. The observed variant frequency within South Asian control individuals in the gnomAD database exceeds the estimated maximal expected allele frequency for disease-causing variants in ABCA12. To our knowledge, no occurrence of c.4064A>G in individuals affected with ABCA12-related conditions and no experimental evidence demonstrating its impact on protein function have been reported. ClinVar contains an entry for this variant (Variation ID: 2760238). Based on the evidence outlined above, the variant was classified as likely benign.

Blueprint Genetics
Classification: Likely benign. Last evaluated: 2024-11-06. Review status: criteria provided, single submitter. Criteria: ACMG Guidelines, 2015. Collection method: clinical testing. Allele origin: germline.